The following is an entry in ClinVar:

NM_016938.5(EFEMP2):c.296C>T (p.Pro99Leu)

Gene: EFEMP2 (EGF-like fibulin extracellular matrix protein 2; minus strand). Cytogenetic location: 11q13.1.
Variant type: single nucleotide variant.
Coding change: c.296C>T on transcript NM_016938.5 (MANE Select); coding-DNA position 296, C replaced by T.
Protein change: p.Pro99Leu; replaces proline 99 with leucine.
Molecular consequence: missense variant. On other transcripts: non-coding transcript variant (1).
Genome position (GRCh38, 1-based): chr11:65,871,228, G>A on the plus strand (C>T on the coding strand, the complement: EFEMP2 is on the minus strand). VCF-style: chr11-65871228-G-A. GRCh37 (hg19) VCF-style: chr11-65638699-G-A.
Other names: c.296C>T (NM_016938.4); short protein forms P99L.
Identifiers: ClinVar variation 1047793 (VCV001047793.9), dbSNP rs780659504, ClinGen allele CA6110722.

ClinVar aggregate classification (germline): Uncertain significance. Review status: criteria provided, multiple submitters, no conflicts (2 of 4 stars). 2 submissions from 2 submitters: Uncertain significance (2). Last evaluated 2025-04-21.

Conditions:
Cardiovascular phenotype. Identifiers: MedGen CN230736.
Cutis laxa, autosomal recessive, type 1B (ARCL1B). Also called: EFEMP2-Related Cutis Laxa; CUTIS LAXA, AUTOSOMAL RECESSIVE, TYPE IB. Identifiers: Orphanet 90349, MedGen C3280798, MONDO:0013754, OMIM 614437. Disease mechanism: loss of function.

Allele frequency attached by ClinVar (database versions not stated): gnomAD exomes below 0.00001; TOPMed below 0.00001; ExAC 0.00001; 1000 Genomes Project 30x 0.00016.
gnomAD v4.1: 3 of 1,614,088 alleles (0.00019%); highest among the groups gnomAD compares: Admixed American, 0.005%; no homozygotes.

Submissions (2):

Ambry Genetics
Classification: Uncertain significance for Cardiovascular phenotype. Last evaluated: 2025-04-21. Review status: criteria provided, single submitter. Criteria: Ambry Variant Classification Scheme 2023. Collection method: clinical testing. Allele origin: germline.

Labcorp Genetics (formerly Invitae), Labcorp
Classification: Uncertain significance for Cutis laxa, autosomal recessive, type 1B. Last evaluated: 2020-08-02. Review status: criteria provided, single submitter. Criteria: Invitae Variant Classification Sherloc (09022015). Collection method: clinical testing. Allele origin: germline.
Comment: In summary, the available evidence is currently insufficient to determine the role of this variant in disease. Therefore, it has been classified as a Variant of Uncertain Significance. Algorithms developed to predict the effect of missense changes on protein structure and function are either unavailable or do not agree on the potential impact of this missense change (SIFT: "Deleterious"; PolyPhen-2: "Benign"; Align-GVGD: "Class C0"). This variant has not been reported in the literature in individuals with EFEMP2-related conditions. This variant is present in population databases (rs780659504, ExAC 0.009%). This sequence change replaces proline with leucine at codon 99 of the EFEMP2 protein (p.Pro99Leu). The proline residue is highly conserved and there is a moderate physicochemical difference between proline and leucine.